The following is an entry in ClinVar:

ClinVar aggregate classification (germline): Uncertain significance (1 of 4 stars; one submission).

Allele frequency attached by ClinVar (database versions not stated): ExAC 0.00002.
gnomAD v4.1: 1 of 1,455,384 alleles (0.000069%); highest among the groups gnomAD compares: East Asian, 0.0026%; no homozygotes.

Submission:

Labcorp Genetics (formerly Invitae), Labcorp
Classification: Uncertain significance. Last evaluated: 2022-10-17. Review status: criteria provided, single submitter. Criteria: Invitae Variant Classification Sherloc (09022015). Collection method: clinical testing. Allele origin: germline.
Comment: In summary, the available evidence is currently insufficient to determine the role of this variant in disease. Therefore, it has been classified as a Variant of Uncertain Significance. Advanced modeling of protein sequence and biophysical properties (such as structural, functional, and spatial information, amino acid conservation, physicochemical variation, residue mobility, and thermodynamic stability) has been performed at Invitae for this missense variant, however the output from this modeling did not meet the statistical confidence thresholds required to predict the impact of this variant on LOX protein function. This variant has not been reported in the literature in individuals affected with LOX-related conditions. The frequency data for this variant in the population databases is considered unreliable, as metrics indicate poor data quality at this position in the gnomAD database. This sequence change replaces arginine, which is basic and polar, with cysteine, which is neutral and slightly polar, at codon 2 of the LOX protein (p.Arg2Cys).

NM_002317.7(LOX):c.4C>T (p.Arg2Cys)

Genes: LOX (lysyl oxidase; minus strand), SRFBP1 (serum response factor binding protein 1; plus strand). Cytogenetic location: 5q23.1.
Variant type: single nucleotide variant.
Coding change: c.4C>T on transcript NM_002317.7 (MANE Select); coding-DNA position 4, C replaced by T.
Protein change: p.Arg2Cys; replaces arginine 2 with cysteine.
Molecular consequence: missense variant.
Genome position (GRCh38, 1-based): chr5:122,077,982, G>A on the plus strand (C>T on the coding strand, the complement: LOX is on the minus strand). VCF-style: chr5-122077982-G-A. GRCh37 (hg19) VCF-style: chr5-121413677-G-A.
Other names: short protein forms R2C.
Identifiers: ClinVar variation 1936018 (VCV001936018.5), dbSNP rs746103919, ClinGen allele CA3384151.